The following is an entry in ClinVar:

NM_001386393.1(PANK2):c.1263G>A (p.Met421Ile)

Gene: PANK2 (pantothenate kinase 2; plus strand). Cytogenetic location: 20p13.
Variant type: single nucleotide variant.
Coding change: c.1263G>A on transcript NM_001386393.1 (MANE Select); coding-DNA position 1263, G replaced by A.
Protein change: p.Met421Ile; replaces methionine 421 with isoleucine.
Molecular consequence: missense variant. On other transcripts: non-coding transcript variant (1).
Genome position (GRCh38, 1-based): chr20:3,918,727, G>A. VCF-style: chr20-3918727-G-A. GRCh37 (hg19) VCF-style: chr20-3899374-G-A.
Other names: c.720G>A, p.Met240Ile (NM_001324191.2, NM_024960.6, NM_153640.4); c.285G>A, p.Met95Ile (NM_001324193.2); c.1593G>A, p.Met531Ile (NM_153638.4); short protein forms M240I, M95I, M531I, M421I.
Identifiers: ClinVar variation 647174 (VCV000647174.8), dbSNP rs1600571977, ClinGen allele CA408120504.

ClinVar aggregate classification (germline): Uncertain significance (1 of 4 stars; one submission).

Conditions:
Pigmentary pallidal degeneration (NBIA1). Also called: Pantothenate Kinase-Associated Neurodegeneration; Neuroaxonal dystrophy, late infantile; Hallervorden-Spatz disease; Neurodegeneration with brain iron accumulation 1; PKAN NEUROAXONAL DYSTROPHY, JUVENILE-ONSET; HARP SYNDROME. Identifiers: Orphanet 157850, MedGen C0018523, MONDO:0009319, OMIM 234200.

Allele frequency attached by ClinVar (database versions not stated): TOPMed below 0.00001; gnomAD 0.00001.
gnomAD v4.1: 1 of 1,614,104 alleles (0.000062%); highest among the groups gnomAD compares: Non-Finnish European, 0.000085%; no homozygotes.

Submission:

Labcorp Genetics (formerly Invitae), Labcorp
Classification: Uncertain significance for Pigmentary pallidal degeneration. Last evaluated: 2020-02-15. Review status: criteria provided, single submitter. Criteria: Invitae Variant Classification Sherloc (09022015). Collection method: clinical testing. Allele origin: germline.
Comment: This sequence change replaces methionine with isoleucine at codon 531 of the PANK2 protein (p.Met531Ile). The methionine residue is highly conserved and there is a small physicochemical difference between methionine and isoleucine. This variant is not present in population databases (ExAC no frequency). This variant has not been reported in the literature in individuals with PANK2-related conditions. Algorithms developed to predict the effect of missense changes on protein structure and function are either unavailable or do not agree on the potential impact of this missense change (SIFT: "Deleterious"; PolyPhen-2: "Probably Damaging"; Align-GVGD: "Class C0"). In summary, the available evidence is currently insufficient to determine the role of this variant in disease. Therefore, it has been classified as a Variant of Uncertain Significance.